The following is an entry in ClinVar:

NM_006914.4(RORB):c.56G>T (p.Gly19Val)

Gene: RORB (RAR related orphan receptor B; plus strand). Cytogenetic location: 9q21.13.
Variant type: single nucleotide variant.
Coding change: c.56G>T on transcript NM_006914.4 (MANE Select); coding-DNA position 56, G replaced by T.
Protein change: p.Gly19Val; replaces glycine 19 with valine.
Molecular consequence: missense variant.
Genome position (GRCh38, 1-based): chr9:74,630,330, G>T. VCF-style: chr9-74630330-G-T. GRCh37 (hg19) VCF-style: chr9-77245246-G-T.
Other names: c.89G>T, p.Gly30Val (NM_001365023.1); short protein forms G30V, G19V.
Identifiers: ClinVar variation 2010063 (VCV002010063.4), dbSNP rs2489556742, ClinGen allele CA373771974.

ClinVar aggregate classification (germline): Uncertain significance (1 of 4 stars; one submission).

Submission:

Labcorp Genetics (formerly Invitae), Labcorp
Classification: Uncertain significance. Last evaluated: 2022-06-24. Review status: criteria provided, single submitter. Criteria: Invitae Variant Classification Sherloc (09022015). Collection method: clinical testing. Allele origin: germline.
Comment: This variant has not been reported in the literature in individuals affected with RORB-related conditions. This sequence change replaces glycine, which is neutral and non-polar, with valine, which is neutral and non-polar, at codon 19 of the RORB protein (p.Gly19Val). This variant is not present in population databases (gnomAD no frequency). Algorithms developed to predict the effect of missense changes on protein structure and function (SIFT, PolyPhen-2, Align-GVGD) all suggest that this variant is likely to be disruptive. In summary, the available evidence is currently insufficient to determine the role of this variant in disease. Therefore, it has been classified as a Variant of Uncertain Significance.